The following is an entry in ClinVar:

NM_001206927.2(DNAH8):c.319C>G (p.Arg107Gly)

Genes: DNAH8 (dynein axonemal heavy chain 8; plus strand), LOC126859667 (BRD4-independent group 4 enhancer GRCh37_chr6:38690326-38691525; plus strand). Cytogenetic location: 6p21.2.
Variant type: single nucleotide variant.
Coding change: c.319C>G on transcript NM_001206927.2 (MANE Select); coding-DNA position 319, C replaced by G.
Protein change: p.Arg107Gly; replaces arginine 107 with glycine.
Molecular consequence: missense variant. On other transcripts: 5 prime UTR variant (1).
Genome position (GRCh38, 1-based): chr6:38,723,128, C>G. VCF-style: chr6-38723128-C-G. GRCh37 (hg19) VCF-style: chr6-38690904-C-G.
Other names: c.-248C>G (NM_001371.4); short protein forms R107G.
Identifiers: ClinVar variation 1368088 (VCV001368088.8), dbSNP rs2127565118, ClinGen allele CA363984868.

ClinVar aggregate classification (germline): Uncertain significance (1 of 4 stars; one submission).

Conditions:
Primary ciliary dyskinesia. Also called: Ciliary dyskinesia. Identifiers: Orphanet 244, MedGen C0008780, MONDO:0016575, HP:0012265.

Submission:

Labcorp Genetics (formerly Invitae), Labcorp
Classification: Uncertain significance for Primary ciliary dyskinesia. Last evaluated: 2021-07-17. Review status: criteria provided, single submitter. Criteria: Invitae Variant Classification Sherloc (09022015). Collection method: clinical testing. Allele origin: germline.
Comment: This sequence change replaces arginine with glycine at codon 107 of the DNAH8 protein (p.Arg107Gly). The arginine residue is moderately conserved and there is a moderate physicochemical difference between arginine and glycine. This variant is not present in population databases (ExAC no frequency). This variant has not been reported in the literature in individuals affected with DNAH8-related conditions. Algorithms developed to predict the effect of missense changes on protein structure and function output the following: SIFT: "Deleterious"; PolyPhen-2: "Not Available"; Align-GVGD: "Class C0". The glycine amino acid residue is found in multiple mammalian species, which suggests that this missense change does not adversely affect protein function. In summary, the available evidence is currently insufficient to determine the role of this variant in disease. Therefore, it has been classified as a Variant of Uncertain Significance.